The following is an entry in ClinVar:

ClinVar aggregate classification (germline): Likely benign. Review status: criteria provided, multiple submitters, no conflicts (2 of 4 stars). 4 submissions from 4 submitters: Likely benign (3). 1 of the submissions does not count toward it. Last evaluated 2025-12-22.

Conditions:
CSF3R-related disorder. Also called: CSF3R-related condition.
Autosomal recessive severe congenital neutropenia due to CSF3R deficiency. Also called: Neutropenia, severe congenital, 7, autosomal recessive. Identifiers: Orphanet 420702, MedGen C4310764, MONDO:0014865, OMIM 617014.

Allele frequency attached by ClinVar (database versions not stated): gnomAD exomes 0.00003; 1000 Genomes Project 30x 0.00031; gnomAD 0.00034 and 0.00036; 1000 Genomes Project 0.00040; TOPMed 0.00042; ESP Exome Variant Server 0.00046.
gnomAD v4.1: 108 of 1,607,658 alleles (0.0067%); highest among the groups gnomAD compares: African/African-American, 0.12%; no homozygotes.

Submissions (4):

Labcorp Genetics (formerly Invitae), Labcorp
Classification: Likely benign for Autosomal recessive severe congenital neutropenia due to CSF3R deficiency. Last evaluated: 2025-12-22. Review status: criteria provided, single submitter. Criteria: Invitae Variant Classification Sherloc (09022015). Collection method: clinical testing. Allele origin: germline.

Blueprint Genetics
Classification: Likely benign. Last evaluated: 2024-07-14. Review status: criteria provided, single submitter. Criteria: ACMG Guidelines, 2015. Collection method: clinical testing. Allele origin: germline.

Genetic Services Laboratory, University of Chicago
Classification: Likely benign. Last evaluated: 2021-10-25. Review status: criteria provided, single submitter. Criteria: ACMG Guidelines, 2015. Collection method: clinical testing. Allele origin: germline. Affected: no.

PreventionGenetics, part of Exact Sciences
Classification: Likely benign for CSF3R-related condition. Last evaluated: 2021-10-13. Review status: no assertion criteria provided. Collection method: clinical testing. Allele origin: germline. Not counted in ClinVar's aggregate classification.
Comment: This variant is classified as likely benign based on ACMG/AMP sequence variant interpretation guidelines (Richards et al. 2015 PMID: 25741868, with internal and published modifications).

NM_000760.4(CSF3R):c.93C>T (p.Val31=)

Gene: CSF3R (colony stimulating factor 3 receptor; minus strand). Cytogenetic location: 1p34.3.
Variant type: single nucleotide variant.
Coding change: c.93C>T on transcript NM_000760.4 (MANE Select); coding-DNA position 93, C replaced by T.
Protein change: p.Val31=; no amino-acid change (valine 31 retained).
Molecular consequence: synonymous variant.
Genome position (GRCh38, 1-based): chr1:36,475,645, G>A on the plus strand (C>T on the coding strand, the complement: CSF3R is on the minus strand). VCF-style: chr1-36475645-G-A. GRCh37 (hg19) VCF-style: chr1-36941246-G-A.
Other names: c.93C>T, p.Val31= (NM_156039.3, NM_172313.3).
Identifiers: ClinVar variation 1125907 (VCV001125907.15), dbSNP rs150277708, ClinGen allele CA769571.
Genomic context (GRCh38, chr1:36,475,645, plus strand): 5'-GTTCTGCTTGATGATGCAGGAGGCTGTGATGGGATCCCCCAGGTGGACGATGGGGGCTGA[G>A]ACACTGATGTGCCCGCACTCCTCCAGACCTGGGGTGGAAGAGAATGGGCCAGGAACGACG-3'
Protein context (NP_000751.1, residues 21-41): GSLEECGHIS[Val31=]SAPIVHLGDP